The following is an entry in ClinVar:

ClinVar aggregate classification (germline): Likely benign (1 of 4 stars; one submission).

Conditions:
APC-related disorder. Also called: APC-related condition.

gnomAD v4.1: 3 of 152,560 alleles (0.002%); highest among the groups gnomAD compares: East Asian, 0.058%; no homozygotes.

Submission:

PreventionGenetics, part of Exact Sciences
Classification: Likely benign for APC-related condition. Last evaluated: 2026-01-11. Review status: criteria provided, single submitter. Criteria: ACMG Guidelines, 2015. Collection method: clinical testing. Allele origin: germline.
Comment: This variant is classified as likely benign based on ACMG/AMP sequence variant interpretation guidelines (Richards et al. 2015 PMID: 25741868, with internal and published modifications).

NM_000038.6(APC):c.1408+1320G>A

Gene: APC (APC regulator of Wnt signaling pathway; plus strand). Cytogenetic location: 5q22.2.
Variant type: single nucleotide variant.
Coding change: c.1408+1320G>A on transcript NM_000038.6 (MANE Select); 1320 bases into the intron after coding-DNA position 1408, G replaced by A.
Molecular consequence: intron variant. On other transcripts: synonymous variant (12).
Genome position (GRCh38, 1-based): chr5:112,823,311, G>A. VCF-style: chr5-112823311-G-A. GRCh37 (hg19) VCF-style: chr5-112159008-G-A.
Other names: c.1413G>A, p.Arg471= (NM_001354896.2, NM_001407447.1, NM_001407448.1 and 1 more transcripts); c.1236G>A, p.Arg412= (NM_001354900.2); c.1443G>A, p.Arg481= (NM_001407446.1); c.1338G>A, p.Arg446= (NM_001407451.1); c.1329G>A, p.Arg443= (NM_001407452.1); c.1110G>A, p.Arg370= (NM_001407454.1, NM_001407455.1, NM_001407456.1 and 1 more transcripts); c.559+1320G>A (NM_001407470.1, NM_001354906.2); c.256+1320G>A (NM_001407472.1, NM_001407471.1); and 11 more.
Identifiers: ClinVar variation 4984937 (VCV004984937.1).